The following is an entry in ClinVar:

NM_021964.3(ZNF148):c.-17+2T>C

Gene: ZNF148 (zinc finger protein 148; minus strand). Cytogenetic location: 3q21.2.
Variant type: single nucleotide variant.
Coding change: c.-17+2T>C on transcript NM_021964.3 (MANE Select); the canonical splice donor site of the intron after 17 bases upstream of the start codon, T replaced by C.
Molecular consequence: splice donor variant. On other transcripts: intron variant (3).
Genome position (GRCh38, 1-based): chr3:125,323,307, A>G on the plus strand (T>C on the coding strand, the complement: ZNF148 is on the minus strand). VCF-style: chr3-125323307-A-G. GRCh37 (hg19) VCF-style: chr3-125042151-A-G.
Other names: c.-17+81T>C (NM_001348426.2, NM_001348430.2); c.-17+2T>C (NM_001348431.2, NM_001348428.2, NM_001348434.2 and 3 more transcripts); c.-134+2T>C (NM_001348429.2, NM_001348425.2, NM_001348424.1); c.-134+81T>C (NM_001348436.2).
Identifiers: ClinVar variation 3368633 (VCV003368633.1).

ClinVar aggregate classification (germline): Uncertain significance (1 of 4 stars; one submission).

gnomAD v4.1: 11 of 621,912 alleles (0.0018%); highest among the groups gnomAD compares: African/African-American, 0.019%; no homozygotes.

Submission:

GeneDx
Classification: Uncertain significance. Last evaluated: 2024-02-07. Review status: criteria provided, single submitter. Criteria: GeneDx Variant Classification Process June 2021. Collection method: clinical testing. Allele origin: germline. Affected: yes.
Comment: Canonical splice site variant in a gene for which loss-of-function is not an established mechanism of disease; Has not been previously published as pathogenic or benign to our knowledge